The following is an entry in ClinVar:

ClinVar aggregate classification (germline): Conflicting classifications of pathogenicity. Review status: criteria provided, conflicting classifications (1 of 4 stars). 3 submissions from 3 submitters: Uncertain significance (1); Likely benign (1). 1 of the submissions does not count toward it. Last evaluated 2025-07-03.

Conditions:
ISCA2-related disorder. Also called: ISCA2-related condition.

Allele frequency attached by ClinVar (database versions not stated): ExAC 0.00007; gnomAD exomes 0.00008 and 0.00014; ESP Exome Variant Server 0.00048; 1000 Genomes Project 0.00060; gnomAD 0.00061 and 0.00066; 1000 Genomes Project 30x 0.00078; TOPMed 0.00097.
gnomAD v4.1: 216 of 1,543,008 alleles (0.014%); highest among the groups gnomAD compares: African/African-American, 0.24%; no homozygotes.

Submissions (3):

Labcorp Genetics (formerly Invitae), Labcorp
Classification: Likely benign. Last evaluated: 2025-07-03. Review status: criteria provided, single submitter. Criteria: Invitae Variant Classification Sherloc (09022015). Collection method: clinical testing. Allele origin: germline.

GeneDx
Classification: Uncertain significance. Last evaluated: 2024-02-13. Review status: criteria provided, single submitter. Criteria: GeneDx Variant Classification Process June 2021. Collection method: clinical testing. Allele origin: germline. Affected: yes.
Comment: In silico analysis supports that this missense variant does not alter protein structure/function; Has not been previously published as pathogenic or benign to our knowledge

PreventionGenetics, part of Exact Sciences
Classification: Likely benign for ISCA2-related condition. Last evaluated: 2023-05-22. Review status: no assertion criteria provided. Collection method: clinical testing. Allele origin: germline. Not counted in ClinVar's aggregate classification.
Comment: This variant is classified as likely benign based on ACMG/AMP sequence variant interpretation guidelines (Richards et al. 2015 PMID: 25741868, with internal and published modifications).

NM_194279.4(ISCA2):c.83C>T (p.Ala28Val)

Gene: ISCA2 (iron-sulfur cluster assembly 2; plus strand). Cytogenetic location: 14q24.3.
Variant type: single nucleotide variant.
Coding change: c.83C>T on transcript NM_194279.4 (MANE Select); coding-DNA position 83, C replaced by T.
Protein change: p.Ala28Val; replaces alanine 28 with valine.
Molecular consequence: missense variant.
Genome position (GRCh38, 1-based): chr14:74,494,061, C>T. VCF-style: chr14-74494061-C-T. GRCh37 (hg19) VCF-style: chr14-74960764-C-T.
Other names: c.83C>T, p.Ala28Val (NM_001272007.2); short protein forms A28V.
Identifiers: ClinVar variation 1597114 (VCV001597114.12), dbSNP rs371830968, ClinGen allele CA7268264.